The following is an entry in ClinVar:

NM_173808.3(NEGR1):c.597G>A (p.Gly199=)

Gene: NEGR1 (neuronal growth regulator 1; minus strand). Cytogenetic location: 1p31.1.
Variant type: single nucleotide variant.
Coding change: c.597G>A on transcript NM_173808.3 (MANE Select); coding-DNA position 597, G replaced by A.
Protein change: p.Gly199=; no amino-acid change (glycine 199 retained).
Molecular consequence: synonymous variant.
Genome position (GRCh38, 1-based): chr1:71,698,078, C>T on the plus strand (G>A on the coding strand, the complement: NEGR1 is on the minus strand). VCF-style: chr1-71698078-C-T. GRCh37 (hg19) VCF-style: chr1-72163761-C-T.
Identifiers: ClinVar variation 2638876 (VCV002638876.24), dbSNP rs201170592, ClinGen allele CA907470.

ClinVar aggregate classification (germline): Likely benign (1 of 4 stars; one submission).

Allele frequency attached by ClinVar (database versions not stated): ESP Exome Variant Server 0.00015; gnomAD 0.00026; ExAC 0.00036; TOPMed 0.00037; gnomAD exomes 0.00044.
gnomAD v4.1: 680 of 1,611,158 alleles (0.042%); highest among the groups gnomAD compares: Middle Eastern, 0.15%; 2 homozygotes.

Submission:

CeGaT Center for Human Genetics Tuebingen
Classification: Likely benign. Last evaluated: 2023-01-01. Review status: criteria provided, single submitter. Criteria: CeGaT Center For Human Genetics Tuebingen Variant Classification Criteria Version 2. Collection method: clinical testing. Allele origin: germline. Affected: yes. Observed: 1 variant allele.
Comment: NEGR1: BP4, BP7